The following is an entry in ClinVar:

NM_024496.4(IRF2BPL):c.1324T>G (p.Tyr442Asp)

Gene: IRF2BPL (interferon regulatory factor 2 binding protein like; minus strand). Cytogenetic location: 14q24.3.
Variant type: single nucleotide variant.
Coding change: c.1324T>G on transcript NM_024496.4 (MANE Select); coding-DNA position 1324, T replaced by G.
Protein change: p.Tyr442Asp; replaces tyrosine 442 with aspartic acid.
Molecular consequence: missense variant.
Genome position (GRCh38, 1-based): chr14:77,026,469, A>C on the plus strand (T>G on the coding strand, the complement: IRF2BPL is on the minus strand). VCF-style: chr14-77026469-A-C. GRCh37 (hg19) VCF-style: chr14-77492812-A-C.
Other names: short protein forms Y442D.
Identifiers: ClinVar variation 4282086 (VCV004282086.1).

ClinVar aggregate classification (germline): Uncertain significance (1 of 4 stars; one submission).

Submission:

GeneDx
Classification: Uncertain significance. Last evaluated: 2025-04-09. Review status: criteria provided, single submitter. Criteria: GeneDx Variant Classification Process June 2021. Collection method: clinical testing. Allele origin: germline. Affected: yes.
Comment: Not observed at significant frequency in large population cohorts (gnomAD); In silico analysis supports that this missense variant has a deleterious effect on protein structure/function; Has not been previously published as pathogenic or benign to our knowledge